The following is an entry in ClinVar:

ClinVar aggregate classification (germline): Uncertain significance (1 of 4 stars; one submission).

Conditions:
Ehlers-Danlos syndrome, type 4 (EDSVASC). Also called: Ehlers-Danlos syndrome vascular type; Ehlers Danlos syndrome, ecchymotic type; Ehlers Danlos syndrome, arterial type; Ehlers Danlos syndrome, Sack-Barabas type; Ehlers-Danlos Syndrome Type IV. Identifiers: Orphanet 286, MedGen C0268338, MONDO:0017314, OMIM 130050.

Allele frequency attached by ClinVar (database versions not stated): gnomAD exomes below 0.00001; TOPMed 0.00002.
gnomAD v4.1: 1 of 1,614,104 alleles (0.000062%); highest among the groups gnomAD compares: Non-Finnish European, 0.000085%; no homozygotes.

Submission:

Labcorp Genetics (formerly Invitae), Labcorp
Classification: Uncertain significance for Ehlers-Danlos syndrome, type 4. Last evaluated: 2021-01-08. Review status: criteria provided, single submitter. Criteria: Invitae Variant Classification Sherloc (09022015). Collection method: clinical testing. Allele origin: germline.
Comment: This sequence change affects codon 887 of the COL3A1 mRNA. It is a 'silent' change, meaning that it does not change the encoded amino acid sequence of the COL3A1 protein. This variant is not present in population databases (ExAC no frequency). This variant has not been reported in the literature in individuals with COL3A1-related conditions. Algorithms developed to predict the effect of sequence changes on RNA splicing suggest that this variant is not likely to affect RNA splicing, but this prediction has not been confirmed by published transcriptional studies. In summary, the available evidence is currently insufficient to determine the role of this variant in disease. Therefore, it has been classified as a Variant of Uncertain Significance.

NM_000090.4(COL3A1):c.2661T>C (p.Asn887=)

Gene: COL3A1 (collagen type III alpha 1 chain; plus strand). Cytogenetic location: 2q32.2.
Variant type: single nucleotide variant.
Coding change: c.2661T>C on transcript NM_000090.4 (MANE Select); coding-DNA position 2661, T replaced by C.
Protein change: p.Asn887=; no amino-acid change (asparagine 887 retained).
Molecular consequence: synonymous variant.
Genome position (GRCh38, 1-based): chr2:189,003,787, T>C. VCF-style: chr2-189003787-T-C. GRCh37 (hg19) VCF-style: chr2-189868513-T-C.
Identifiers: ClinVar variation 1435300 (VCV001435300.6), dbSNP rs1306865410, ClinGen allele CA430311829.